The following is an entry in ClinVar:

NM_000059.4(BRCA2):c.4817C>T (p.Ser1606Phe)

Gene: BRCA2 (BRCA2 DNA repair associated; plus strand). Cytogenetic location: 13q13.1.
Variant type: single nucleotide variant.
Coding change: c.4817C>T on transcript NM_000059.4 (MANE Select); coding-DNA position 4817, C replaced by T.
Protein change: p.Ser1606Phe; replaces serine 1606 with phenylalanine.
Molecular consequence: missense variant. On other transcripts: non-coding transcript variant (1), intron variant (2).
Genome position (GRCh38, 1-based): chr13:32,339,172, C>T. VCF-style: chr13-32339172-C-T. GRCh37 (hg19) VCF-style: chr13-32913309-C-T.
Other names: c.4817C>T, p.Ser1606Phe (NM_001406719.1, NM_001406720.1); c.1910-5386C>T (NM_001406721.1); c.425-5386C>T (NM_001406722.1); short protein forms S1606F.
Identifiers: ClinVar variation 2734402 (VCV002734402.3), dbSNP rs876659853, ClinGen allele CA387783291.

ClinVar aggregate classification (germline): Uncertain significance (1 of 4 stars; one submission).

Conditions:
Hereditary breast ovarian cancer syndrome. Also called: BRCA1- and BRCA2-Associated Hereditary Breast and Ovarian Cancer; Hereditary breast and/or ovarian cancer syndrome; Hereditary breast and ovarian cancer; Hereditary breast and ovarian cancer syndrome (HBOC); Breast and ovarian cancer; Hereditary breast and ovarian cancer syndrome. Identifiers: Orphanet 145, MedGen C0677776, MeSH D061325, MONDO:0003582. Disease mechanism: loss of function.

Allele frequency attached by ClinVar (database versions not stated): gnomAD exomes below 0.00001.
gnomAD v4.1: 1 of 1,613,830 alleles (0.000062%); highest among the groups gnomAD compares: Non-Finnish European, 0.000085%; no homozygotes.

Submission:

Labcorp Genetics (formerly Invitae), Labcorp
Classification: Uncertain significance for Hereditary breast ovarian cancer syndrome. Last evaluated: 2023-07-01. Review status: criteria provided, single submitter. Criteria: Invitae Variant Classification Sherloc (09022015). Collection method: clinical testing. Allele origin: germline.
Comment: In summary, the available evidence is currently insufficient to determine the role of this variant in disease. Therefore, it has been classified as a Variant of Uncertain Significance. Advanced modeling of protein sequence and biophysical properties (such as structural, functional, and spatial information, amino acid conservation, physicochemical variation, residue mobility, and thermodynamic stability) performed at Invitae indicates that this missense variant is not expected to disrupt BRCA2 protein function. This variant has not been reported in the literature in individuals affected with BRCA2-related conditions. This variant is not present in population databases (gnomAD no frequency). This sequence change replaces serine, which is neutral and polar, with phenylalanine, which is neutral and non-polar, at codon 1606 of the BRCA2 protein (p.Ser1606Phe).